The following is an entry in ClinVar:

ClinVar aggregate classification (germline): Uncertain significance (1 of 4 stars; one submission).

Conditions:
Left ventricular noncompaction 1 (LVNC1). Also called: LEFT VENTRICULAR NONCOMPACTION 1 WITH OR WITHOUT CONGENITAL HEART DEFECTS. Identifiers: Orphanet 54260, MedGen C1858725, MONDO:0011403, OMIM 604169.

gnomAD v4.1: 1 of 1,613,418 alleles (0.000062%); highest among the groups gnomAD compares: Admixed American, 0.0017%; no homozygotes.

Submission:

Labcorp Genetics (formerly Invitae), Labcorp
Classification: Uncertain significance for Left ventricular noncompaction 1. Last evaluated: 2026-01-27. Review status: criteria provided, single submitter. Criteria: Invitae Variant Classification Sherloc (09022015). Collection method: clinical testing. Allele origin: germline.
Comment: This sequence change replaces aspartic acid, which is acidic and polar, with valine, which is neutral and non-polar, at codon 335 of the DTNA protein (p.Asp335Val). This variant is present in population databases (no rsID available, gnomAD 0.003%). This variant has not been reported in the literature in individuals affected with DTNA-related conditions. An algorithm developed to predict the effect of missense changes on protein structure and function (PolyPhen-2) suggests that this variant is likely to be tolerated. In summary, the available evidence is currently insufficient to determine the role of this variant in disease. Therefore, it has been classified as a Variant of Uncertain Significance.

NM_001386795.1(DTNA):c.1002-2324A>T

Gene: DTNA (dystrobrevin alpha; plus strand). Cytogenetic location: 18q12.1.
Variant type: single nucleotide variant.
Coding change: c.1002-2324A>T on transcript NM_001386795.1 (MANE Select); 2324 bases into the intron before coding-DNA position 1002, A replaced by T.
Molecular consequence: intron variant. On other transcripts: missense variant (8).
Genome position (GRCh38, 1-based): chr18:34,825,269, A>T. VCF-style: chr18-34825269-A-T. GRCh37 (hg19) VCF-style: chr18-32405233-A-T.
Other names: c.1004A>T, p.Asp335Val (NM_001386761.1, NM_001386762.1, NM_001386775.1 and 5 more transcripts); c.1002-2324A>T (NM_001386754.1, NM_001386755.1, NM_001386760.1 and 26 more transcripts); c.603+13156A>T (NM_001198945.2); c.252-2324A>T (NM_001198943.1); c.48-2324A>T (NM_001198942.1, NM_001198944.1, NM_032980.4 and 1 more transcripts); short protein forms D335V.
Identifiers: ClinVar variation 4777777 (VCV004777777.1).